The following is an entry in ClinVar:

NM_176787.5(PIGN):c.2427-9A>G

Gene: PIGN (phosphatidylinositol glycan anchor biosynthesis class N; minus strand). Cytogenetic location: 18q21.33.
Variant type: single nucleotide variant.
Coding change: c.2427-9A>G on transcript NM_176787.5 (MANE Select); 9 bases into the intron before coding-DNA position 2427, A replaced by G.
Molecular consequence: intron variant.
Genome position (GRCh38, 1-based): chr18:62,084,615, T>C on the plus strand (A>G on the coding strand, the complement: PIGN is on the minus strand). VCF-style: chr18-62084615-T-C. GRCh37 (hg19) VCF-style: chr18-59751848-T-C.
Other names: c.2427-9A>G (NM_012327.6).
Identifiers: ClinVar variation 856675 (VCV000856675.7), dbSNP rs1389535822, ClinGen allele CA781252629.

ClinVar aggregate classification (germline): Uncertain significance (1 of 4 stars; one submission).

Conditions:
Multiple congenital anomalies-hypotonia-seizures syndrome 1 (MCAHS1). Also called: PIGN-CDG; Congenital disorder of glycosylation due to PIGN deficiency; GLYCOSYLPHOSPHATIDYLINOSITOL BIOSYNTHESIS DEFECT 3. Identifiers: Orphanet 280633, MedGen C3279775, MONDO:0013563, OMIM 614080.

Allele frequency attached by ClinVar (database versions not stated): gnomAD exomes below 0.00001; gnomAD 0.00001; TOPMed 0.00001.
gnomAD v4.1: 2 of 1,524,852 alleles (0.00013%); highest among the groups gnomAD compares: African/African-American, 0.0014%; no homozygotes.

Submission:

Labcorp Genetics (formerly Invitae), Labcorp
Classification: Uncertain significance for Multiple congenital anomalies-hypotonia-seizures syndrome 1. Last evaluated: 2021-09-01. Review status: criteria provided, single submitter. Criteria: Invitae Variant Classification Sherloc (09022015). Collection method: clinical testing. Allele origin: germline.
Comment: This sequence change falls in intron 26 of the PIGN gene. It does not directly change the encoded amino acid sequence of the PIGN protein. This variant is not present in population databases (ExAC no frequency). This variant has not been reported in the literature in individuals affected with PIGN-related conditions. Algorithms developed to predict the effect of sequence changes on RNA splicing suggest that this variant may disrupt the consensus splice site. In summary, the available evidence is currently insufficient to determine the role of this variant in disease. Therefore, it has been classified as a Variant of Uncertain Significance.